The following is an entry in ClinVar:

NM_004522.3(KIF5C):c.524C>T (p.Ser175Leu)

Gene: KIF5C (kinesin family member 5C; plus strand). Cytogenetic location: 2q23.1.
Variant type: single nucleotide variant.
Coding change: c.524C>T on transcript NM_004522.3 (MANE Select); coding-DNA position 524, C replaced by T.
Protein change: p.Ser175Leu; replaces serine 175 with leucine.
Molecular consequence: missense variant.
Genome position (GRCh38, 1-based): chr2:148,942,695, C>T. VCF-style: chr2-148942695-C-T. GRCh37 (hg19) VCF-style: chr2-149799209-C-T.
Other names: short protein forms S175L.
Identifiers: ClinVar variation 3034989 (VCV003034989.2), dbSNP rs373894913, ClinGen allele CA1901259.

ClinVar aggregate classification (germline): Likely benign (0 of 4 stars; one submission).

Conditions:
KIF5C-related disorder. Also called: KIF5C-related condition.

Allele frequency attached by ClinVar (database versions not stated): gnomAD exomes 0.00002; ExAC 0.00009; 1000 Genomes Project 0.00020; gnomAD 0.00024; 1000 Genomes Project 30x 0.00031; TOPMed 0.00031; ESP Exome Variant Server 0.00033.
gnomAD v4.1: 65 of 1,611,156 alleles (0.004%); highest among the groups gnomAD compares: African/African-American, 0.076%; no homozygotes.

Submission:

PreventionGenetics, part of Exact Sciences
Classification: Likely benign for KIF5C-related condition. Last evaluated: 2022-05-16. Review status: no assertion criteria provided. Collection method: clinical testing. Allele origin: germline.
Comment: This variant is classified as likely benign based on ACMG/AMP sequence variant interpretation guidelines (Richards et al. 2015 PMID: 25741868, with internal and published modifications).